The following is an entry in ClinVar:

NM_004187.5(KDM5C):c.1372A>C (p.Ser458Arg)

Gene: KDM5C (lysine demethylase 5C; minus strand). Cytogenetic location: Xp11.22.
Variant type: single nucleotide variant.
Coding change: c.1372A>C on transcript NM_004187.5 (MANE Select); coding-DNA position 1372, A replaced by C.
Protein change: p.Ser458Arg; replaces serine 458 with arginine.
Molecular consequence: missense variant. On other transcripts: non-coding transcript variant (3).
Genome position (GRCh38, 1-based): chrX:53,211,526, T>G on the plus strand (A>C on the coding strand, the complement: KDM5C is on the minus strand). VCF-style: chrX-53211526-T-G. GRCh37 (hg19) VCF-style: chrX-53240708-T-G.
Other names: c.1171A>C, p.Ser391Arg (NM_001146702.2); c.1369A>C, p.Ser457Arg (NM_001282622.3, NM_001353979.2, NM_001353982.2); c.1372A>C, p.Ser458Arg (NM_001353978.3, NM_001353981.2, NM_001353984.2); short protein forms S391R, S457R, S458R.
Identifiers: ClinVar variation 3863522 (VCV003863522.2).

ClinVar aggregate classification (germline): Uncertain significance (1 of 4 stars; one submission).

Conditions:
Inborn genetic diseases. Identifiers: MedGen C0950123, MeSH D030342.

Submission:

Ambry Genetics
Classification: Uncertain significance for Inborn genetic diseases. Last evaluated: 2025-05-27. Review status: criteria provided, single submitter. Criteria: Ambry Variant Classification Scheme 2023. Collection method: clinical testing. Allele origin: germline.
Comment: The c.1372A>C (p.S458R) alteration is located in exon 10 (coding exon 10) of the KDM5C gene. This alteration results from a A to C substitution at nucleotide position 1372, causing the serine (S) at amino acid position 458 to be replaced by an arginine (R). This variant was not reported in population-based cohorts in the Genome Aggregation Database (gnomAD). This amino acid position is not well conserved in available vertebrate species. This missense alteration is located in a region that has a low rate of benign missense variation (Lek, 2016; Firth, 2009). This alteration is predicted to be tolerated by in silico analysis. Based on insufficient or conflicting evidence, the clinical significance of this alteration remains unclear.